The following is an entry in ClinVar:

NM_000921.5(PDE3A):c.761A>G (p.Tyr254Cys)

Genes: PDE3A (phosphodiesterase 3A; plus strand), PDE3A-AS1 (PDE3A antisense RNA 1; minus strand). Cytogenetic location: 12p12.2.
Variant type: single nucleotide variant.
Coding change: c.761A>G on transcript NM_000921.5 (MANE Select); coding-DNA position 761, A replaced by G.
Protein change: p.Tyr254Cys; replaces tyrosine 254 with cysteine.
Molecular consequence: missense variant. On other transcripts: non-coding transcript variant (1), 5 prime UTR variant (1).
Genome position (GRCh38, 1-based): chr12:20,370,045, A>G. VCF-style: chr12-20370045-A-G. GRCh37 (hg19) VCF-style: chr12-20522979-A-G.
Other names: c.761A>G, p.Tyr254Cys (NM_001378407.1); c.-268A>G (NM_001378408.1); c.761A>G (NM_000921.4); short protein forms Y254C.
Identifiers: ClinVar variation 2738842 (VCV002738842.19), dbSNP rs148443160, ClinGen allele CA6473521.
Genomic context (GRCh38, chr12:20,370,045, plus strand): 5'-TCGCCTGGAGACCTTACCTGGCGTACCTGGCCGGCGTGCTGGGGATCCTCTTGGCCAGGT[A>G]CGTGGAACAAATCTTGCCGCAGTCCGCGGAGGCGGCTCCAAGGGAGCATTTGGGGTCCCA-3'
Protein context (NP_000912.3, residues 244-264): AGVLGILLAR[Tyr254Cys]VEQILPQSAE

ClinVar aggregate classification (germline): Benign/Likely benign. Review status: criteria provided, multiple submitters, no conflicts (2 of 4 stars). 3 submissions from 3 submitters: Benign (1); Likely benign (1). 1 of the submissions does not count toward it. Last evaluated 2025-05-05.

Conditions:
PDE3A-related disorder. Also called: PDE3A-related condition.

Allele frequency attached by ClinVar (database versions not stated): 1000 Genomes Project 30x 0.00031; 1000 Genomes Project 0.00040; TOPMed 0.00059; gnomAD 0.00062; ExAC 0.00070; gnomAD exomes 0.00091; ESP Exome Variant Server 0.00115.
gnomAD v4.1: 1,394 of 1,612,894 alleles (0.086%); highest among the groups gnomAD compares: Non-Finnish European, 0.11%; 1 homozygote.

Submissions (3):

Labcorp Genetics (formerly Invitae), Labcorp
Classification: Likely benign. Last evaluated: 2025-05-05. Review status: criteria provided, single submitter. Criteria: Invitae Variant Classification Sherloc (09022015). Collection method: clinical testing. Allele origin: germline.

CeGaT Center for Human Genetics Tuebingen
Classification: Benign. Last evaluated: 2024-11-01. Review status: criteria provided, single submitter. Criteria: CeGaT Center For Human Genetics Tuebingen Variant Classification Criteria Version 2. Collection method: clinical testing. Allele origin: germline. Affected: yes. Observed: 1 variant allele.
Comment: PDE3A: BS1, BS2

PreventionGenetics, part of Exact Sciences
Classification: Likely benign for PDE3A-related condition. Last evaluated: 2024-06-01. Review status: no assertion criteria provided. Collection method: clinical testing. Allele origin: germline. Not counted in ClinVar's aggregate classification.
Comment: This variant is classified as likely benign based on ACMG/AMP sequence variant interpretation guidelines (Richards et al. 2015 PMID: 25741868, with internal and published modifications).